The following is an entry in ClinVar:

ClinVar aggregate classification (germline): Benign (1 of 4 stars; one submission).

Submission:

Unidad de Genómica Garrahan, Hospital de Pediatría Garrahan
Classification: Benign. Last evaluated: 2023-11-12. Review status: criteria provided, single submitter. Criteria: ACMG Guidelines, 2015. Collection method: clinical testing. Allele origin: germline. Affected: no. Observed: 38 variant alleles.
Comment: This variant is classified as Benign based on local population frequency. This variant was detected in 40% of patients studied by a panel of primary immunodeficiencies. Number of patients: 38. Only high quality variants are reported.

NM_001039569.2(AP1S3):c.429+33ATG[8]

Gene: AP1S3 (adaptor related protein complex 1 subunit sigma 3; minus strand). Cytogenetic location: 2q36.1.
Variant type: Microsatellite.
Coding change: c.429+33ATG[8] on transcript NM_001039569.2 (MANE Select); eight copies in a row of the 3-base unit ATG starting at c.429+33; the reference has seven copies in a row; one copy, 3 bases duplicated.
Molecular consequence: intron variant.
Genome position (GRCh38, 1-based): chr2:223,765,160-223,765,162, CAT duplicated on the plus strand (ATG on the coding strand, the reverse complement: AP1S3 is on the minus strand); duplicating any 3 consecutive bases within chr2:223,765,160-223,765,181 gives the same sequence; the position shown is the placement nearest the transcript's 3' end. VCF-style (leftmost placement, unchanged base first): chr2-223765159-C-CCAT. GRCh37 (hg19) VCF-style: chr2-224629876-C-CCAT.
Identifiers: ClinVar variation 2628211 (VCV002628211.2), dbSNP rs10644138, ClinGen allele CA2138274.